The following is an entry in ClinVar:

ClinVar aggregate classification (germline): Uncertain significance (1 of 4 stars; one submission).

Conditions:
Inborn genetic diseases. Identifiers: MedGen C0950123, MeSH D030342.

Submission:

Ambry Genetics
Classification: Uncertain significance for Inborn genetic diseases. Last evaluated: 2026-08-23. Review status: criteria provided, single submitter. Criteria: Ambry Variant Classification Scheme 2023. Collection method: clinical testing. Allele origin: germline.
Comment: The p.P205A variant (also known as c.613C>G), located in coding exon 5 of the RECQL4 gene, results from a C to G substitution at nucleotide position 613. The proline at codon 205 is replaced by alanine, an amino acid with highly similar properties. This amino acid position is conserved. In addition, this alteration is predicted to be tolerated by in silico analysis. Based on the available evidence, the clinical significance of this variant remains unclear.

NM_004260.4(RECQL4):c.613C>G (p.Pro205Ala)

Gene: RECQL4 (RecQ like helicase 4; minus strand). Cytogenetic location: 8q24.3.
Variant type: single nucleotide variant.
Coding change: c.613C>G on transcript NM_004260.4 (MANE Select); coding-DNA position 613, C replaced by G.
Protein change: p.Pro205Ala; replaces proline 205 with alanine.
Molecular consequence: missense variant. On other transcripts: 5 prime UTR variant (15), non-coding transcript variant (3), intron variant (3).
Genome position (GRCh38, 1-based): chr8:144,516,506, G>C on the plus strand (C>G on the coding strand, the complement: RECQL4 is on the minus strand). VCF-style: chr8-144516506-G-C. GRCh37 (hg19) VCF-style: chr8-145741890-G-C.
Other names: c.613C>G, p.Pro205Ala (NM_001413017.1, NM_001413018.1, NM_001413019.1 and 4 more transcripts); c.-459C>G (NM_001413022.1, NM_001413023.1, NM_001413024.1 and 5 more transcripts); c.484C>G, p.Pro162Ala (NM_001413025.1); c.-521C>G (NM_001413027.1, NM_001413030.1, NM_001413031.1 and 2 more transcripts); c.-363C>G (NM_001413034.1); c.-728C>G (NM_001413043.1); c.355-93C>G (NM_001413029.1); c.-366-93C>G (NM_001413021.1, NM_001413028.1); short protein forms P205A, P162A.
Identifiers: ClinVar variation 5028107 (VCV005028107.1).